The following is an entry in ClinVar:

ClinVar aggregate classification (germline): Uncertain significance (1 of 4 stars; one submission).

Conditions:
Developmental and epileptic encephalopathy, 21 (DEE21). Also called: Early infantile epileptic encephalopathy 21. Identifiers: Orphanet 442835, MedGen C4014430, MONDO:0014360, OMIM 615833.

Allele frequency attached by ClinVar (database versions not stated): gnomAD exomes below 0.00001.
gnomAD v4.1: 1 of 1,614,168 alleles (0.000062%); highest among the groups gnomAD compares: Non-Finnish European, 0.000085%; no homozygotes.

Submission:

Labcorp Genetics (formerly Invitae), Labcorp
Classification: Uncertain significance for Developmental and epileptic encephalopathy, 21. Last evaluated: 2022-02-09. Review status: criteria provided, single submitter. Criteria: Invitae Variant Classification Sherloc (09022015). Collection method: clinical testing. Allele origin: germline.
Comment: This sequence change replaces asparagine with aspartic acid at codon 264 of the NECAP1 protein (p.Asn264Asp). The asparagine residue is weakly conserved and there is a small physicochemical difference between asparagine and aspartic acid. This variant is not present in population databases (gnomAD no frequency). This variant has not been reported in the literature in individuals affected with NECAP1-related conditions. Algorithms developed to predict the effect of missense changes on protein structure and function are either unavailable or do not agree on the potential impact of this missense change (SIFT: "Not Available"; PolyPhen-2: "Benign"; Align-GVGD: "Not Available"). In summary, the available evidence is currently insufficient to determine the role of this variant in disease. Therefore, it has been classified as a Variant of Uncertain Significance.

NM_015509.4(NECAP1):c.790A>G (p.Asn264Asp)

Gene: NECAP1 (NECAP endocytosis associated 1; plus strand). Cytogenetic location: 12p13.31.
Variant type: single nucleotide variant.
Coding change: c.790A>G on transcript NM_015509.4 (MANE Select); coding-DNA position 790, A replaced by G.
Protein change: p.Asn264Asp; replaces asparagine 264 with aspartic acid.
Molecular consequence: missense variant. On other transcripts: non-coding transcript variant (1).
Genome position (GRCh38, 1-based): chr12:8,096,052, A>G. VCF-style: chr12-8096052-A-G. GRCh37 (hg19) VCF-style: chr12-8248648-A-G.
Other names: short protein forms N264D.
Identifiers: ClinVar variation 1514706 (VCV001514706.6), dbSNP rs2120496634, ClinGen allele CA383802953.